The following is an entry in ClinVar:

NM_004329.3(BMPR1A):c.1128C>G (p.Cys376Trp)

Gene: BMPR1A (bone morphogenetic protein receptor type 1A; plus strand). Cytogenetic location: 10q23.2.
Variant type: single nucleotide variant.
Coding change: c.1128C>G on transcript NM_004329.3 (MANE Select); coding-DNA position 1128, C replaced by G.
Protein change: p.Cys376Trp; replaces cysteine 376 with tryptophan.
Molecular consequence: missense variant.
Genome position (GRCh38, 1-based): chr10:86,919,431, C>G. VCF-style: chr10-86919431-C-G. GRCh37 (hg19) VCF-style: chr10-88679188-C-G.
Other names: short protein forms C376W.
Identifiers: ClinVar variation 429098 (VCV000429098.3), dbSNP rs1131691177, ClinGen allele CA377460989.

ClinVar aggregate classification (germline): Uncertain significance (1 of 4 stars; one submission).

Conditions:
Hereditary cancer-predisposing syndrome. Also called: Hereditary Cancer Syndrome; Neoplastic Syndromes, Hereditary; Hereditary neoplastic syndrome; Tumor predisposition. Identifiers: Orphanet 140162, MedGen C0027672, MeSH D009386, MONDO:0015356.

Submission:

Ambry Genetics
Classification: Uncertain significance for Hereditary cancer-predisposing syndrome. Last evaluated: 2015-10-28. Review status: criteria provided, single submitter. Criteria: Ambry Autosomal Dominant and X-Linked criteria (10/2015). Collection method: clinical testing. Allele origin: germline. Observed: 1 variant allele.
Comment: The p.C376W variant (also known as c.1128C>G), located in coding exon 8 of the BMPR1A gene, results from a C to G substitution at nucleotide position 1128. The cysteine at codon 376 is replaced by tryptophan, an amino acid with highly dissimilar properties. This variant was not reported in population based cohorts in the following databases: Database of Single Nucleotide Polymorphisms (dbSNP), NHLBI Exome Sequencing Project (ESP), and 1000 Genomes Project. In the ESP, this variant was not observed in 6502 samples (13004 alleles) with coverage of 6502 at this position. <span style="color:#333333; font-family:arial,sans-serif; font-size:10.0pt">To date, this alteration has been detected with an allele frequency of approximately 0.002% (greater than 65000alleles tested) in our clinical cohort.This amino acid position is highly conserved in available vertebrate species. In addition, this alteration is predicted to be deleterious by in silico analysis.<span style="font-family:arial,sans-serif; font-size:10pt">Since supporting evidence is limited at this time, the clinical significance of this variantremains unclear